The following is an entry in ClinVar:

ClinVar aggregate classification (germline): Uncertain significance (1 of 4 stars; one submission).

Submission:

Ambry Genetics
Classification: Uncertain significance. Last evaluated: 2024-11-05. Review status: criteria provided, single submitter. Criteria: Ambry Variant Classification Scheme 2023. Collection method: clinical testing. Allele origin: germline.
Comment: The p.I335V variant (also known as c.1003A>G), located in coding exon 10 of the ILK gene, results from an A to G substitution at nucleotide position 1003. The isoleucine at codon 335 is replaced by valine, an amino acid with highly similar properties. This amino acid position is conserved. In addition, the in silico prediction for this alteration is inconclusive. Based on the available evidence, the clinical significance of this variant remains unclear.

NM_004517.4(ILK):c.1003A>G (p.Ile335Val)

Genes: ILK (integrin linked kinase; plus strand), TAF10 (TATA-box binding protein associated factor 10; minus strand). Cytogenetic location: 11p15.4.
Variant type: single nucleotide variant.
Coding change: c.1003A>G on transcript NM_004517.4 (MANE Select); coding-DNA position 1003, A replaced by G.
Protein change: p.Ile335Val; replaces isoleucine 335 with valine.
Molecular consequence: missense variant. On other transcripts: 3 prime UTR variant (1).
Genome position (GRCh38, 1-based): chr11:6,609,960, A>G. VCF-style: chr11-6609960-A-G. GRCh37 (hg19) VCF-style: chr11-6631191-A-G.
Other names: c.1003A>G, p.Ile335Val (NM_001014794.3, NM_001014795.3); c.820A>G, p.Ile274Val (NM_001278441.2); c.601A>G, p.Ile201Val (NM_001278442.2); c.*962T>C (NM_006284.4); short protein forms I201V, I274V, I335V.
Identifiers: ClinVar variation 3528913 (VCV003528913.1).
Genomic context (GRCh38, chr11:6,609,960, plus strand): 5'-TGACTTACCTCCTTCTATCTGTTTTCTCTTCCTCAGATTGATGAGGACATGACTGCCCGA[A>G]TTAGCATGGCTGATGTCAAGTTCTCTTTCCAATGTCCTGGTCGCATGTATGCACCTGCCT-3'
Protein context (NP_004508.1, residues 325-345): VMIDEDMTAR[Ile335Val]SMADVKFSFQ